The following is an entry in ClinVar:

ClinVar aggregate classification (germline): Uncertain significance (1 of 4 stars; one submission).

Submission:

Labcorp Genetics (formerly Invitae), Labcorp
Classification: Uncertain significance. Last evaluated: 2021-10-06. Review status: criteria provided, single submitter. Criteria: Invitae Variant Classification Sherloc (09022015). Collection method: clinical testing. Allele origin: germline.
Comment: In summary, the available evidence is currently insufficient to determine the role of this variant in disease. Therefore, it has been classified as a Variant of Uncertain Significance. Advanced modeling of protein sequence and biophysical properties (such as structural, functional, and spatial information, amino acid conservation, physicochemical variation, residue mobility, and thermodynamic stability) performed at Invitae indicates that this missense variant is not expected to disrupt GRIN2D protein function. This variant has not been reported in the literature in individuals affected with GRIN2D-related conditions. This variant is not present in population databases (ExAC no frequency). This sequence change replaces threonine with proline at codon 618 of the GRIN2D protein (p.Thr618Pro). The threonine residue is moderately conserved and there is a small physicochemical difference between threonine and proline.

NM_000836.4(GRIN2D):c.1852A>C (p.Thr618Pro)

Gene: GRIN2D (glutamate ionotropic receptor NMDA type subunit 2D; plus strand). Cytogenetic location: 19q13.33.
Variant type: single nucleotide variant.
Coding change: c.1852A>C on transcript NM_000836.4 (MANE Select); coding-DNA position 1852, A replaced by C.
Protein change: p.Thr618Pro; replaces threonine 618 with proline.
Molecular consequence: missense variant.
Genome position (GRCh38, 1-based): chr19:48,419,350, A>C. VCF-style: chr19-48419350-A-C. GRCh37 (hg19) VCF-style: chr19-48922607-A-C.
Other names: short protein forms T618P.
Identifiers: ClinVar variation 1469165 (VCV001469165.6), dbSNP rs1600981805, ClinGen allele CA406697563.